The following is an entry in ClinVar:

ClinVar aggregate classification (germline): Benign/Likely benign. Review status: criteria provided, multiple submitters, no conflicts (2 of 4 stars). 6 submissions from 6 submitters: Benign (4); Likely benign (2). Last evaluated 2026-01-26.

Conditions:
Nephronophthisis. Also called: Juvenile Nephronophthisis. Identifiers: Orphanet 655, MedGen C0687120, MONDO:0019005, HP:0000090.
Kidney disorder. Also called: renal disorder; renal disease; Nephropathy; Kidney disease; Kidney Diseases. Identifiers: MedGen C0022658, MONDO:0005240, HP:0000112.
Nephronophthisis 7 (NPHP7). Identifiers: Orphanet 655, MedGen C1969092, MONDO:0012680, OMIM 611498.

Allele frequency attached by ClinVar (database versions not stated): gnomAD 0.00156 and 0.00238; TOPMed 0.00233; 1000 Genomes Project 30x 0.01374; 1000 Genomes Project 0.01597.
gnomAD v4.1: 2,579 of 1,610,730 alleles (0.16%); highest among the groups gnomAD compares: East Asian, 4.9%; 71 homozygotes.

Submissions (6):

Labcorp Genetics (formerly Invitae), Labcorp
Classification: Benign for Nephronophthisis. Last evaluated: 2026-01-26. Review status: criteria provided, single submitter. Criteria: Invitae Variant Classification Sherloc (09022015). Collection method: clinical testing. Allele origin: germline.

Fulgent Genetics
Classification: Likely benign for Nephronophthisis 7. Last evaluated: 2021-07-26. Review status: criteria provided, single submitter. Criteria: ACMG Guidelines, 2015. Collection method: clinical testing. Allele origin: unknown.

GeneDx
Classification: Benign. Last evaluated: 2020-03-23. Review status: criteria provided, single submitter. Criteria: GeneDx Variant Classification Process June 2021. Collection method: clinical testing. Allele origin: germline. Affected: yes.

Illumina Laboratory Services, Illumina
Classification: Benign for Nephronophthisis 7. Last evaluated: 2018-01-13. Review status: criteria provided, single submitter. Criteria: ICSL Variant Classification Criteria 13 December 2019. Collection method: clinical testing. Allele origin: germline.
Comment: This variant was observed in the ICSL laboratory as part of a predisposition screen in an ostensibly healthy population. It had not been previously curated by ICSL or reported in the Human Gene Mutation Database (HGMD: prior to June 1st, 2018), and was therefore a candidate for classification through an automated scoring system. Utilizing variant allele frequency, disease prevalence and penetrance estimates, and inheritance mode, an automated score was calculated to assess if this variant is too frequent to cause the disease. Based on the score and internal cut-off values, a variant classified as benign is not then subjected to further curation. The score for this variant resulted in a classification of benign for this disease.

Genome Diagnostics Laboratory, The Hospital for Sick Children
Classification: Likely benign for Kidney disorder. Last evaluated: 2016-12-12. Review status: criteria provided, single submitter. Criteria: ACMG Guidelines, 2015. Collection method: clinical testing. Allele origin: germline.

Breakthrough Genomics
Classification: Benign. Review status: criteria provided, single submitter. Criteria: ACMG Guidelines, 2015. Collection method: not provided. Allele origin: germline. Inheritance: Unknown mechanism. Affected: yes.

NM_032575.3(GLIS2):c.1011G>A (p.Pro337=)

Gene: GLIS2 (GLIS family zinc finger 2; plus strand). Cytogenetic location: 16p13.3.
Variant type: single nucleotide variant.
Coding change: c.1011G>A on transcript NM_032575.3 (MANE Select); coding-DNA position 1011, G replaced by A.
Protein change: p.Pro337=; no amino-acid change (proline 337 retained).
Molecular consequence: synonymous variant.
Genome position (GRCh38, 1-based): chr16:4,336,960, G>A. VCF-style: chr16-4336960-G-A. GRCh37 (hg19) VCF-style: chr16-4386961-G-A.
Other names: c.1011G>A, p.Pro337= (NM_001318918.2).
Identifiers: ClinVar variation 319216 (VCV000319216.21), dbSNP rs200814551, ClinGen allele CA7873176.